The following is an entry in ClinVar:

ClinVar aggregate classification (germline): Likely benign. Review status: criteria provided, single submitter (1 of 4 stars). 2 submissions from 2 submitters: Likely benign (1). 1 of the submissions does not count toward it. Last evaluated 2023-03-27.

Conditions:
Jeune thoracic dystrophy. Also called: Short-rib thoracic dysplasia; Jeune syndrome; Infantile thoracic dystrophy; Thoracic pelvic phalangeal dystrophy; Jeune's syndrome; Chondroectodermal dysplasia-like syndrome. Identifiers: Orphanet 474, MedGen C0265275, MONDO:0018770.
IFT80-related disorder. Also called: IFT80-related condition.

Allele frequency attached by ClinVar (database versions not stated): ExAC 0.00002; gnomAD exomes 0.00002 and 0.00008; TOPMed 0.00003; gnomAD 0.00005.
gnomAD v4.1: 118 of 1,613,428 alleles (0.0073%); highest among the groups gnomAD compares: Non-Finnish European, 0.0098%; no homozygotes.

Submissions (2):

Labcorp Genetics (formerly Invitae), Labcorp
Classification: Likely benign for Jeune thoracic dystrophy. Last evaluated: 2023-03-27. Review status: criteria provided, single submitter. Criteria: Invitae Variant Classification Sherloc (09022015). Collection method: clinical testing. Allele origin: germline.

PreventionGenetics, part of Exact Sciences
Classification: Likely benign for IFT80-related condition. Last evaluated: 2019-07-23. Review status: no assertion criteria provided. Collection method: clinical testing. Allele origin: germline. Not counted in ClinVar's aggregate classification.
Comment: This variant is classified as likely benign based on ACMG/AMP sequence variant interpretation guidelines (Richards et al. 2015 PMID: 25741868, with internal and published modifications).

NM_020800.3(IFT80):c.2286G>A (p.Glu762=)

Genes: TRIM59-IFT80 (TRIM59-IFT80 readthrough (NMD candidate); minus strand), IFT80 (intraflagellar transport 80; minus strand). Cytogenetic location: 3q25.33.
Variant type: single nucleotide variant.
Coding change: c.2286G>A on transcript NM_020800.3 (MANE Select); coding-DNA position 2286, G replaced by A.
Protein change: p.Glu762=; no amino-acid change (glutamic acid 762 retained).
Molecular consequence: synonymous variant. On other transcripts: non-coding transcript variant (3).
Genome position (GRCh38, 1-based): chr3:160,258,573, C>T on the plus strand (G>A on the coding strand, the complement: IFT80 is on the minus strand). VCF-style: chr3-160258573-C-T. GRCh37 (hg19) VCF-style: chr3-159976361-C-T.
Other names: c.1875G>A, p.Glu625= (NM_001190241.2, NM_001190242.2); c.2286G>A (NM_020800.2).
Identifiers: ClinVar variation 1094664 (VCV001094664.11), dbSNP rs774118255, ClinGen allele CA2684918.